The following is an entry in ClinVar:

NM_001376571.1(MADD):c.1290+3A>G

Gene: MADD (MAP kinase activating death domain; plus strand). Cytogenetic location: 11p11.2.
Variant type: single nucleotide variant.
Coding change: c.1290+3A>G on transcript NM_001376571.1 (MANE Select); 3 bases into the intron after coding-DNA position 1290, A replaced by G.
Molecular consequence: intron variant.
Genome position (GRCh38, 1-based): chr11:47,279,082, A>G. VCF-style: chr11-47279082-A-G. GRCh37 (hg19) VCF-style: chr11-47300633-A-G.
Other names: c.1290+3A>G (NM_001376651.1, NM_130470.3, NM_001376641.1 and 80 more transcripts); c.1086+3A>G (NM_001376648.1, NM_001376620.1, NM_001376626.1 and 9 more transcripts); c.624+3A>G (NM_001376663.1).
Identifiers: ClinVar variation 768445 (VCV000768445.7), dbSNP rs79232885, ClinGen allele CA5974076.
Genomic context (GRCh38, chr11:47,279,082, plus strand): 5'-AGTGCTGCCTATCCTGCCAGAACCAGAATCACTAGAGCTGAAAAAGCATTTAAAGCAGGT[A>G]GGTGAAGAACGAAGGAAAGAAAGGGGAGTATTAGATGCTGTGGGATTCCTATAAGAAGAC-3'

ClinVar aggregate classification (germline): Benign. Review status: criteria provided, multiple submitters, no conflicts (2 of 4 stars). 3 submissions from 3 submitters: Benign (2). 1 of the submissions does not count toward it. Last evaluated 2018-07-15.

Conditions:
MADD-related disorder. Also called: MADD-related condition; MADD-Related Disorders.

Allele frequency attached by ClinVar (database versions not stated): gnomAD exomes 0.00084 and 0.00239; ExAC 0.00304; 1000 Genomes Project 0.00719; 1000 Genomes Project 30x 0.00828; gnomAD 0.00942 and 0.01033; TOPMed 0.01073; ESP Exome Variant Server 0.01116.
gnomAD v4.1: 2,707 of 1,613,722 alleles (0.17%); highest among the groups gnomAD compares: African/African-American, 3.1%; 43 homozygotes.

Submissions (3):

Labcorp Genetics (formerly Invitae), Labcorp
Classification: Benign. Last evaluated: 2018-07-15. Review status: criteria provided, single submitter. Criteria: Invitae Variant Classification Sherloc (09022015). Collection method: clinical testing. Allele origin: germline.

Breakthrough Genomics
Classification: Benign. Review status: criteria provided, single submitter. Criteria: ACMG Guidelines, 2015. Collection method: not provided. Allele origin: germline. Inheritance: Autosomal recessive inheritance. Affected: yes.

PreventionGenetics, part of Exact Sciences
Classification: Benign for MADD-related condition. Last evaluated: 2019-05-20. Review status: no assertion criteria provided. Collection method: clinical testing. Allele origin: germline. Not counted in ClinVar's aggregate classification.
Comment: This variant is classified as benign based on ACMG/AMP sequence variant interpretation guidelines (Richards et al. 2015 PMID: 25741868, with internal and published modifications).